The following is an entry in ClinVar:

ClinVar aggregate classification (germline): Benign (0 of 4 stars; one submission).

Conditions:
IL31RA-related disorder. Also called: IL31RA-related condition.

Allele frequency attached by ClinVar (database versions not stated): 1000 Genomes Project 0.02935; 1000 Genomes Project 30x 0.03014; gnomAD 0.04412; ESP Exome Variant Server 0.04413; TOPMed 0.04475; ExAC 0.04527; gnomAD exomes 0.05600.
gnomAD v4.1: 88,123 of 1,612,190 alleles (5.5%); highest among the groups gnomAD compares: Admixed American, 7.6%; 2,786 homozygotes.

Submission:

PreventionGenetics, part of Exact Sciences
Classification: Benign for IL31RA-related condition. Last evaluated: 2019-10-28. Review status: no assertion criteria provided. Collection method: clinical testing. Allele origin: germline.
Comment: This variant is classified as benign based on ACMG/AMP sequence variant interpretation guidelines (Richards et al. 2015 PMID: 25741868, with internal and published modifications).

NM_139017.7(IL31RA):c.1764C>T (p.Thr588=)

Gene: IL31RA (interleukin 31 receptor A; plus strand). Cytogenetic location: 5q11.2.
Variant type: single nucleotide variant.
Coding change: c.1764C>T on transcript NM_139017.7 (MANE Select); coding-DNA position 1764, C replaced by T.
Protein change: p.Thr588=; no amino-acid change (threonine 588 retained).
Molecular consequence: synonymous variant.
Genome position (GRCh38, 1-based): chr5:55,914,874, C>T. VCF-style: chr5-55914874-C-T. GRCh37 (hg19) VCF-style: chr5-55210702-C-T.
Other names: c.1707C>T, p.Thr569= (NM_001242636.2, NM_001242638.2); c.1764C>T, p.Thr588= (NM_001242637.2); c.1338C>T, p.Thr446= (NM_001242639.2).
Identifiers: ClinVar variation 3037234 (VCV003037234.2), dbSNP rs17701253, ClinGen allele CA3270957.